The following is an entry in ClinVar:

ClinVar aggregate classification (germline): Uncertain significance (1 of 4 stars; one submission).

Conditions:
Gastrointestinal stromal tumor. Also called: Gastrointestinal stromal tumor, somatic; Gastrointestinal stroma tumor. Identifiers: Orphanet 44890, MedGen C0238198, MeSH D046152, MONDO:0011719, OMIM 606764, HP:0100723.

Submission:

Labcorp Genetics (formerly Invitae), Labcorp
Classification: Uncertain significance for Gastrointestinal stromal tumor. Last evaluated: 2022-06-21. Review status: criteria provided, single submitter. Criteria: Invitae Variant Classification Sherloc (09022015). Collection method: clinical testing. Allele origin: germline.
Comment: A copy number gain of the genomic region encompassing the full coding sequence of the KIT gene has been identified. The boundaries of this event are unknown as they extend beyond the assayed region for this gene and therefore may encompass additional genes. As the precise location of this event is unknown, it may be in tandem or it may be located elsewhere in the genome. This variant has not been reported in the literature in individuals affected with KIT-related conditions. In summary, the available evidence is currently insufficient to determine the role of this variant in disease. Therefore, it has been classified as a Variant of Uncertain Significance.

NC_000004.11:g.(?_55522488)_(55604723_?)dup

Gene: KIT (KIT proto-oncogene, receptor tyrosine kinase; plus strand). Cytogenetic location: 4q12.
Variant type: Duplication.
Identifiers: ClinVar variation 831539 (VCV000831539.2).